The following is an entry in ClinVar:

NM_013280.5(FLRT1):c.933C>T (p.Arg311=)

Genes: FLRT1 (fibronectin leucine rich transmembrane protein 1; plus strand), MACROD1 (mono-ADP ribosylhydrolase 1; minus strand). Cytogenetic location: 11q13.1.
Variant type: single nucleotide variant.
Coding change: c.933C>T on transcript NM_013280.5 (MANE Select); coding-DNA position 933, C replaced by T.
Protein change: p.Arg311=; no amino-acid change (arginine 311 retained).
Molecular consequence: synonymous variant. On other transcripts: intron variant (2).
Genome position (GRCh38, 1-based): chr11:64,117,200, C>T. VCF-style: chr11-64117200-C-T. GRCh37 (hg19) VCF-style: chr11-63884672-C-T.
Other names: c.933C>T, p.Arg311= (NM_001384466.1); c.849C>T, p.Arg283= (NM_001423967.1); c.517+34039G>A (NM_001411019.1, NM_014067.4).
Identifiers: ClinVar variation 3056264 (VCV003056264.2), dbSNP rs757865702, ClinGen allele CA6067576.

ClinVar aggregate classification (germline): Likely benign (0 of 4 stars; one submission).

Conditions:
FLRT1-related disorder. Also called: FLRT1-related condition.

Allele frequency attached by ClinVar (database versions not stated): gnomAD 0.00003; gnomAD exomes 0.00003; TOPMed 0.00006; ExAC 0.00012.
gnomAD v4.1: 50 of 1,614,052 alleles (0.0031%); highest among the groups gnomAD compares: East Asian, 0.047%; no homozygotes.

Submission:

PreventionGenetics, part of Exact Sciences
Classification: Likely benign for FLRT1-related condition. Last evaluated: 2019-04-29. Review status: no assertion criteria provided. Collection method: clinical testing. Allele origin: germline.
Comment: This variant is classified as likely benign based on ACMG/AMP sequence variant interpretation guidelines (Richards et al. 2015 PMID: 25741868, with internal and published modifications).